The following is an entry in ClinVar:

NM_001042492.3(NF1):c.4933_4934insGGCCGGGCGCGGTGGCTCACGCCTGTAATCCCAGCACTTTGGGAGGCCGAGGCGGGTGGATCATGAGGTCAGGAGATCGAGACCATCCTGGCTAACAAGGTGNNNNNNNNNNAAAAAAAAAAAAAAAAAAAAGAAATTGTAGTGGACC (p.Leu1645delinsArgProGlyAlaValAlaHisAlaCysAsnProSerThrLeuGlyGlyArgGlyGlyTrpIleMetArgSerGlyAspArgAspHisProGlyTer)

Gene: NF1 (neurofibromin 1; plus strand). Cytogenetic location: 17q11.2.
Variant type: Insertion.
Coding change: c.4933_4934insGGCCGGGCGCGGTGGCTCACGCCTGTAATCCCAGCACTTTGGGAGGCCGAGGCGGGTGGATCATGAGGTCAGGAGATCGAGACCATCCTGGCTAACAAGGTGNNNNNNNNNNAAAAAAAAAAAAAAAAAAAAGAAATTGTAGTGGACC on transcript NM_001042492.3 (MANE Select); coding-DNA positions 4933 to 4934, GGCCGGGCGCGGTGGCTCACGCCTGTAATCCCAGCACTTTGGGAGGCCGAGGCGGGTGGATCATGAGGTCAGGAGATCGAGACCATCCTGGCTAACAAGGTGNNNNNNNNNNAAAAAAAAAAAAAAAAAAAAGAAATTGTAGTGGACC inserted.
Protein change: p.Leu1645delinsArgProGlyAlaValAlaHisAlaCysAsnProSerThrLeuGlyGlyArgGlyGlyTrpIleMetArgSerGlyAspArgAspHisProGlyTer.
Molecular consequence: nonsense. On other transcripts: frameshift variant (1).
Genome position: GRCh38: chr17:31,325,917-31,325,918. GRCh37 (hg19): chr17:29,652,935-29,652,936.
Other names: c.4870_4871insGGCCGGGCGCGGTGGCTCACGCCTGTAATCCCAGCACTTTGGGAGGCCGAGGCGGGTGGATCATGAGGTCAGGAGATCGAGACCATCCTGGCTAACAAGGTGNNNNNNNNNNAAAAAAAAAAAAAAAAAAAAGAAATTGTAGTGGACC, p.Leu1624Argfs (NM_000267.4).
Identifiers: ClinVar variation 1075043 (VCV001075043.5), dbSNP rs2151537757.

ClinVar aggregate classification (germline): Pathogenic (1 of 4 stars; one submission).

Conditions:
Neurofibromatosis, type 1 (NF1). Also called: VON RECKLINGHAUSEN DISEASE; Peripheral type neurofibromatosis; NEUROFIBROMATOSIS, TYPE I, SOMATIC; Neurofibromatosis, type I. Identifiers: Orphanet 636, MedGen C0027831, MONDO:0018975, OMIM 162200. Disease mechanism: loss of function.

Submission:

Labcorp Genetics (formerly Invitae), Labcorp
Classification: Pathogenic for Neurofibromatosis, type 1. Last evaluated: 2020-09-14. Review status: criteria provided, single submitter. Criteria: Invitae Variant Classification Sherloc (09022015). Collection method: clinical testing. Allele origin: germline.
Comment: This variant is not present in population databases (ExAC no frequency). This variant has not been reported in the literature in individuals with NF1-related conditions. Retrotransposon insertions including LINE1 (L1), Alu, and SVA (SINE-VNTR-Alu) have been reported to be disease-causing through disruption of either a coding region or splice site (PMID: 19763152, 20307669, 22406018) and loss-of-function variants in NF1 are known to be pathogenic (PMID: 10712197, 23913538). For these reasons, this variant has been classified as Pathogenic. This sequence change inserts a large fragment of DNA, likely a transposable element, in exon 36 of the NF1 gene (c.4870_4871ins?), causing a frameshift at codon 1624 (p.Leu1624fs). The exact size and sequence of the insertion cannot be determined by the current assay. However, the insertion is expected to result in an absent or disrupted protein product.

Literature cited by the submitters: PubMed 19763152; PubMed 20307669; PubMed 22406018; PubMed 10712197; PubMed 23913538.